The following is an entry in ClinVar:

NM_015021.3(ZNF292):c.2053G>A (p.Val685Ile)

Gene: ZNF292 (zinc finger protein 292; plus strand). Cytogenetic location: 6q14.3.
Variant type: single nucleotide variant.
Coding change: c.2053G>A on transcript NM_015021.3 (MANE Select); coding-DNA position 2053, G replaced by A.
Protein change: p.Val685Ile; replaces valine 685 with isoleucine.
Molecular consequence: missense variant.
Genome position (GRCh38, 1-based): chr6:87,255,682, G>A. VCF-style: chr6-87255682-G-A. GRCh37 (hg19) VCF-style: chr6-87965400-G-A.
Other names: c.1633G>A, p.Val545Ile (NM_001351444.2); short protein forms V545I, V685I.
Identifiers: ClinVar variation 3377608 (VCV003377608.1).

ClinVar aggregate classification (germline): Uncertain significance (1 of 4 stars; one submission).

Conditions:
Intellectual developmental disorder, autosomal dominant 64. Also called: MENTAL RETARDATION, AUTOSOMAL DOMINANT 64. Identifiers: MedGen C5543067, MONDO:0030934, OMIM 619188.

gnomAD v4.1: 1 of 1,613,244 alleles (0.000062%); highest among the groups gnomAD compares: South Asian, 0.0011%; no homozygotes.

Submission:

Neuberg Centre For Genomic Medicine, NCGM
Classification: Uncertain significance for Intellectual developmental disorder, autosomal dominant 64. Last evaluated: 2023-06-22. Review status: criteria provided, single submitter. Criteria: ACMG Guidelines, 2015. Collection method: clinical testing. Allele origin: germline. Inheritance: Autosomal dominant inheritance. Affected: yes.
Comment: The observed missense c.2053G>A(p.Val685Ile) variant in ZNF292 gene has not been reported previously as a pathogenic variant nor as a benign variant, to our knowledge. This variant is absent in gnomAD Exomes. The amino acid Val at position 685 is changed to a Ile changing protein sequence and it might alter its composition and physico-chemical properties. The amino acid change p.Val685Ile in ZNF292 is predicted as conserved by GERP++ and PhyloP across 100 vertebrates. Multiple lines of computational evidence (Polyphen - Damaging, SIFT - Damaging, and MutationTaster - Disease causing) predict a damaging effect on protein structure and function for this variant. For these reasons, this variant has been classified as Uncertain Significance.